The following is an entry in ClinVar:

NM_004706.4(ARHGEF1):c.2321G>A (p.Arg774Gln)

Gene: ARHGEF1 (Rho guanine nucleotide exchange factor 1; plus strand). Cytogenetic location: 19q13.2.
Variant type: single nucleotide variant.
Coding change: c.2321G>A on transcript NM_004706.4 (MANE Select); coding-DNA position 2321, G replaced by A.
Protein change: p.Arg774Gln; replaces arginine 774 with glutamine.
Molecular consequence: missense variant.
Genome position (GRCh38, 1-based): chr19:41,905,246, G>A. VCF-style: chr19-41905246-G-A. GRCh37 (hg19) VCF-style: chr19-42409398-G-A.
Other names: c.2366G>A (NM_199002.1); c.2222G>A, p.Arg741Gln (NM_198977.2); c.2366G>A, p.Arg789Gln (NM_199002.2); short protein forms R741Q, R774Q, R789Q.
Identifiers: ClinVar variation 1393821 (VCV001393821.9), dbSNP rs782337423, ClinGen allele CA9466662.

ClinVar aggregate classification (germline): Uncertain significance. Review status: criteria provided, multiple submitters, no conflicts (2 of 4 stars). 2 submissions from 2 submitters: Uncertain significance (2). Last evaluated 2025-12-10.

Allele frequency attached by ClinVar (database versions not stated): gnomAD 0.00002; gnomAD exomes 0.00002 and 0.00003; ExAC 0.00003; TOPMed 0.00003.
gnomAD v4.1: 47 of 1,613,438 alleles (0.0029%); highest among the groups gnomAD compares: African/African-American, 0.008%; no homozygotes.

Submissions (2):

Labcorp Genetics (formerly Invitae), Labcorp
Classification: Uncertain significance. Last evaluated: 2025-12-10. Review status: criteria provided, single submitter. Criteria: Invitae Variant Classification Sherloc (09022015). Collection method: clinical testing. Allele origin: germline.
Comment: This sequence change replaces arginine, which is basic and polar, with glutamine, which is neutral and polar, at codon 789 of the ARHGEF1 protein (p.Arg789Gln). This variant is present in population databases (rs782337423, gnomAD 0.008%). This variant has not been reported in the literature in individuals affected with ARHGEF1-related conditions. ClinVar contains an entry for this variant (Variation ID: 1393821). An algorithm developed to predict the effect of missense changes on protein structure and function (PolyPhen-2) suggests that this variant is likely to be disruptive. In summary, the available evidence is currently insufficient to determine the role of this variant in disease. Therefore, it has been classified as a Variant of Uncertain Significance.

Ambry Genetics
Classification: Uncertain significance. Last evaluated: 2022-05-27. Review status: criteria provided, single submitter. Criteria: Ambry Variant Classification Scheme 2023. Collection method: clinical testing. Allele origin: germline.